The following is an entry in ClinVar:

NM_001267550.2(TTN):c.54465del (p.Asp18156fs)

Genes: TTN (titin; minus strand), TTN-AS1 (TTN antisense RNA 1; plus strand). Cytogenetic location: 2q31.2.
Variant type: Deletion.
Coding change: c.54465del on transcript NM_001267550.2 (MANE Select); coding-DNA position 54465, one base deleted (A; older notation c.54465delA).
Protein change: p.Asp18156fs; shifts the reading frame from aspartic acid 18156.
Molecular consequence: frameshift variant.
Genome position (GRCh38, 1-based): chr2:178,604,222, T deleted on the plus strand (A on the coding strand, the reverse complement: TTN is on the minus strand). VCF-style (leftmost placement, unchanged base first): chr2-178604221-CT-C. GRCh37 (hg19) VCF-style: chr2-179468948-CT-C.
Other names: c.49542del, p.Asp16515fs (NM_001256850.1); c.27270del, p.Asp9091fs (NM_003319.4); c.46761del, p.Asp15588fs (NM_133378.4); c.27645del, p.Asp9216fs (NM_133432.3); c.27846del, p.Asp9283fs (NM_133437.4); short protein forms D9091fs, D9216fs, D18156fs, D16515fs, D15588fs, D9283fs.
Identifiers: ClinVar variation 4787239 (VCV004787239.1).

ClinVar aggregate classification (germline): Likely pathogenic (1 of 4 stars; one submission).

Conditions:
Autosomal recessive limb-girdle muscular dystrophy type 2J (LGMDR10). Also called: Limb-girdle muscular dystrophy, type 2J; MUSCULAR DYSTROPHY, LIMB-GIRDLE, AUTOSOMAL RECESSIVE 10. Identifiers: Orphanet 140922, MedGen C1837342, MONDO:0012127, OMIM 608807.
Dilated cardiomyopathy 1G (CMD1G). Identifiers: Orphanet 154, MedGen C1858763, MONDO:0011400, OMIM 604145.

Submission:

Labcorp Genetics (formerly Invitae), Labcorp
Classification: Likely pathogenic for Dilated cardiomyopathy 1G; Autosomal recessive limb-girdle muscular dystrophy type 2J. Last evaluated: 2026-01-11. Review status: criteria provided, single submitter. Criteria: Invitae Variant Classification Sherloc (09022015). Collection method: clinical testing. Allele origin: germline.
Comment: This sequence change creates a premature translational stop signal (p.Asp18156Ilefs*3) in the TTN gene. While this is not anticipated to result in nonsense mediated decay, it is expected to create a truncated TTN protein. This variant is not present in population databases (gnomAD no frequency). This premature translational stop signal has been observed in individual(s) with dilated cardiomyopathy (internal data). This variant is located in the A band of TTN (PMID: 25589632). Truncating variants in this region are significantly overrepresented in patients affected with dilated cardiomyopathy (PMID: 25589632). Truncating variants in this region have also been reported in individuals affected with autosomal recessive centronuclear myopathy (PMID: 23975875). In summary, the currently available evidence indicates that the variant is pathogenic, but additional data are needed to prove that conclusively. Therefore, this variant has been classified as Likely Pathogenic.

Literature cited by the submitters: PubMed 25589632; PubMed 23975875.